The following is an entry in ClinVar:

ClinVar aggregate classification (germline): Uncertain significance (1 of 4 stars; one submission).

Conditions:
Hereditary cancer-predisposing syndrome. Also called: Tumor predisposition; Hereditary Cancer Syndrome; Hereditary neoplastic syndrome; Neoplastic Syndromes, Hereditary. Identifiers: Orphanet 140162, MedGen C0027672, MeSH D009386, MONDO:0015356.

Submission:

Ambry Genetics
Classification: Uncertain significance for Hereditary cancer-predisposing syndrome. Last evaluated: 2023-07-14. Review status: criteria provided, single submitter. Criteria: Ambry Variant Classification Scheme 2023. Collection method: clinical testing. Allele origin: germline.
Comment: The p.T453A variant (also known as c.1357A>G), located in coding exon 7 of the SMARCA4 gene, results from an A to G substitution at nucleotide position 1357. The threonine at codon 453 is replaced by alanine, an amino acid with similar properties. Missense and in-frame variants in SMARCA4 are known to cause neurodevelopmental disorders; however, such associations with rhabdoid tumor predisposition syndrome including small cell carcinoma of the ovary-hypercalcemic type (SCCOHT) are exceedingly rare (Kosho T et al. Am J Med Genet C Semin Med Genet. 2014 Sep;166C(3):262-75; Jelinic P et al. Nat Genet. 2014 May;46(5):424-6). This amino acid position is highly conserved in available vertebrate species. In addition, the in silico prediction for this alteration is inconclusive. Based on the supporting evidence, the association of this alteration with Coffin-Siris syndrome is unknown; however, the association of this alteration with rhabdoid tumor predisposition syndrome is unlikely.

NM_003072.5(SMARCA4):c.1357A>G (p.Thr453Ala)

Gene: SMARCA4 (SWI/SNF related BAF chromatin remodeling complex subunit ATPase 4; plus strand). Cytogenetic location: 19p13.2.
Variant type: single nucleotide variant.
Coding change: c.1357A>G on transcript NM_003072.5 (MANE Select); coding-DNA position 1357, A replaced by G.
Protein change: p.Thr453Ala; replaces threonine 453 with alanine.
Molecular consequence: missense variant. On other transcripts: non-coding transcript variant (1).
Genome position (GRCh38, 1-based): chr19:10,991,261, A>G. VCF-style: chr19-10991261-A-G. GRCh37 (hg19) VCF-style: chr19-11101937-A-G.
Other names: c.1357A>G, p.Thr453Ala (NM_001128844.3, NM_001128845.2, NM_001128846.2 and 6 more transcripts); short protein forms T453A.
Identifiers: ClinVar variation 2587121 (VCV002587121.2), dbSNP rs2145881191, ClinGen allele CA404060909.